The following is an entry in ClinVar:

NM_018685.5(ANLN):c.2056C>T (p.Arg686Cys)

Gene: ANLN (anillin, actin binding protein; plus strand). Cytogenetic location: 7p14.2.
Variant type: single nucleotide variant.
Coding change: c.2056C>T on transcript NM_018685.5 (MANE Select); coding-DNA position 2056, C replaced by T.
Protein change: p.Arg686Cys; replaces arginine 686 with cysteine.
Molecular consequence: missense variant.
Genome position (GRCh38, 1-based): chr7:36,420,637, C>T. VCF-style: chr7-36420637-C-T. GRCh37 (hg19) VCF-style: chr7-36460246-C-T.
Other names: c.1945C>T, p.Arg649Cys (NM_001284301.3); c.1942C>T, p.Arg648Cys (NM_001284302.3); short protein forms R648C, R649C, R686C.
Identifiers: ClinVar variation 1424262 (VCV001424262.9), dbSNP rs201054659, ClinGen allele CA4219768.

ClinVar aggregate classification (germline): Conflicting classifications of pathogenicity. Review status: criteria provided, conflicting classifications (1 of 4 stars). 2 submissions from 2 submitters: Uncertain significance (1); Likely benign (1). Last evaluated 2024-06-27.

Conditions:
Focal segmental glomerulosclerosis 8 (FSGS8). Identifiers: Orphanet 656, MedGen C4014993, MONDO:0014462, OMIM 616032.

Allele frequency attached by ClinVar (database versions not stated): ExAC 0.00006; 1000 Genomes Project 30x 0.00016; 1000 Genomes Project 0.00020; gnomAD 0.00002; gnomAD exomes 0.00004.
gnomAD v4.1: 64 of 1,612,878 alleles (0.004%); highest among the groups gnomAD compares: Middle Eastern, 0.05%; no homozygotes.

Submissions (2):

Dr.Nikuei Genetic Center
Classification: Likely benign for Focal segmental glomerulosclerosis 8. Last evaluated: 2024-06-27. Review status: criteria provided, single submitter. Criteria: ACMG Guidelines, 2015. Collection method: clinical testing. Allele origin: germline. Affected: no.

Labcorp Genetics (formerly Invitae), Labcorp
Classification: Uncertain significance. Last evaluated: 2022-12-07. Review status: criteria provided, single submitter. Criteria: Invitae Variant Classification Sherloc (09022015). Collection method: clinical testing. Allele origin: germline.
Comment: This sequence change replaces arginine, which is basic and polar, with cysteine, which is neutral and slightly polar, at codon 686 of the ANLN protein (p.Arg686Cys). This variant is present in population databases (rs201054659, gnomAD 0.02%). In summary, the available evidence is currently insufficient to determine the role of this variant in disease. Therefore, it has been classified as a Variant of Uncertain Significance. Algorithms developed to predict the effect of sequence changes on RNA splicing suggest that this variant may disrupt the consensus splice site. Advanced modeling of protein sequence and biophysical properties (such as structural, functional, and spatial information, amino acid conservation, physicochemical variation, residue mobility, and thermodynamic stability) has been performed at Invitae for this missense variant, however the output from this modeling did not meet the statistical confidence thresholds required to predict the impact of this variant on ANLN protein function. ClinVar contains an entry for this variant (Variation ID: 1424262). This variant has not been reported in the literature in individuals affected with ANLN-related conditions.